The following is an entry in ClinVar:

ClinVar aggregate classification (germline): Conflicting classifications of pathogenicity. Review status: criteria provided, conflicting classifications (1 of 4 stars). 19 submissions from 19 submitters: Uncertain significance (1); Benign (6); Likely benign (12). Last evaluated 2026-02-03.

Conditions:
Cardiovascular phenotype. Identifiers: MedGen CN230736.
Cardiomyopathy (CMYO). Also called: Cardiomyopathies. Identifiers: Orphanet 167848, MedGen C0878544, MONDO:0004994, HP:0001638. Inheritance: Various modes of inheritance.
Amyloidosis, hereditary systemic 1 (AMYLD1). Also called: Hereditary Transthyretin Amyloidosis; Isolated Cardiac Amyloidosis; Amyloid Cardiomyopathy, Transthyretin-related; Familial amyloid polyneuropathy; AMYLOID CARDIOMYOPATHY; Hereditary oculoleptomeningeal amyloid angiopathy. Identifiers: Orphanet 85447, Orphanet 85451, MedGen C2751492, MONDO:0971004, OMIM 105210.
Primary familial hypertrophic cardiomyopathy (HCM). Identifiers: Orphanet 99739, MedGen C0949658, MeSH D024741, MONDO:0024573. Inheritance: Various modes of inheritance.
Hypertrophic cardiomyopathy 4. Also called: Familial hypertrophic cardiomyopathy 4. Identifiers: MedGen C1861862, MONDO:0007268, OMIM 115197.
Hypertrophic cardiomyopathy. Also called: HYPERTROPHIC MYOCARDIOPATHY. Identifiers: Orphanet 217569, MedGen C0007194, MeSH D002312, MONDO:0005045, HP:0001639.

Allele frequency attached by ClinVar (database versions not stated): ExAC 0.00068; ESP Exome Variant Server 0.00132; gnomAD 0.00177 and 0.00166; 1000 Genomes Project 0.00260; gnomAD exomes 0.00060; TOPMed 0.00225; 1000 Genomes Project 30x 0.00297.
gnomAD v4.1: 941 of 1,614,008 alleles (0.058%); highest among the groups gnomAD compares: African/African-American, 0.54%; 1 homozygote.

Submissions (19):

Labcorp Genetics (formerly Invitae), Labcorp
Classification: Benign for Hypertrophic cardiomyopathy. Last evaluated: 2026-02-03. Review status: criteria provided, single submitter. Criteria: Invitae Variant Classification Sherloc (09022015). Collection method: clinical testing. Allele origin: germline.

CeGaT Center for Human Genetics Tuebingen
Classification: Likely benign. Last evaluated: 2025-06-01. Review status: criteria provided, single submitter. Criteria: CeGaT Center For Human Genetics Tuebingen Variant Classification Criteria Version 2. Collection method: clinical testing. Allele origin: germline. Affected: yes. Observed: 2 variant alleles.
Comment: MYBPC3: BS2

Mayo Clinic Laboratories, Mayo Clinic
Classification: Likely benign. Last evaluated: 2025-03-11. Review status: criteria provided, single submitter. Criteria: ACMG Guidelines, 2015. Collection method: clinical testing. Allele origin: germline. Observed: 8 variant alleles.
Comment: BS1, PP3_moderate

Blueprint Genetics
Classification: Likely benign. Last evaluated: 2024-11-01. Review status: criteria provided, single submitter. Criteria: ACMG Guidelines, 2015. Collection method: clinical testing. Allele origin: germline.

All of Us Research Program, National Institutes of Health
Classification: Likely benign for Hypertrophic cardiomyopathy. Last evaluated: 2024-10-01. Review status: criteria provided, single submitter. Criteria: ACMG Guidelines, 2015. Collection method: clinical testing. Allele origin: germline. Inheritance: Autosomal dominant inheritance. Observed: 187 variant alleles, 187 heterozygotes.
Comment: This study involves interpretation of variants in research participants for the purpose of population health screening. Participant phenotype was not available at the time of variant classification. Additional details can be found in publication PMID: 35346344, PMCID: PMC8962531

Women's Health and Genetics/Laboratory Corporation of America, LabCorp
Classification: Benign. Last evaluated: 2024-03-11. Review status: criteria provided, single submitter. Criteria: LabCorp Variant Classification Summary - May 2015. Collection method: clinical testing. Allele origin: germline.
Comment: Variant summary: MYBPC3 c.1519G>A (p.Gly507Arg) results in a non-conservative amino acid change located in the third immunoglobulin subtype 2 domain (IPR003598) of the encoded protein sequence. Four of four in-silico tools predict a damaging effect of the variant on protein function. The variant allele was found at a frequency of 0.00058 in 1607036 control chromosomes, predominantly at a frequency of 0.0054 within the African or African-American subpopulation in the gnomAD database (v4.0 dataset), including 1 homozygote. The observed variant frequency within African or African-American control individuals in the gnomAD database is approximately 5.4 fold of the estimated maximal expected allele frequency for a pathogenic variant in MYBPC3 causing Hypertrophic Cardiomyopathy phenotype (0.001), strongly suggesting that the variant is a benign polymorphism. c.1519G>A has been reported in the literature in sequencing studies of individuals affected with and/or undergoing multigene panel testing for Hypertrophic Cardiomyopathy (e.g. Erdmann_2003, Kassem_2013, Lakdawala_2012, Liu_2015). These reports do not provide unequivocal conclusions about association of the variant with Hypertrophic Cardiomyopathy. At-least two co-occurrences with other pathogenic variants have been observed at our laboratory (HCM-MYBPC3 c.2308G>A, p.Asp770Asn; Transthyretin Amylidosis-TTR c.424G>A, p.Val142Ile), providing supporting evidence for a benign role. At least one publication reports experimental evidence evaluating an impact on protein function and demonstrated that the variant didn't destabilize protein structure in an in vitro assay (Suay-Corredera_2021). The following publications have been ascertained in the context of this evaluation (PMID: 23217326, 26332594, 23820649, 22995991, 22763267, 24055113, 12974739, 23233322, 22464770, 26090888, 34097875). ClinVar contains an entry for this variant (Variation ID: 42543). Based on the evidence outlined above, the variant was classified as benign.

ARUP Laboratories, Molecular Genetics and Genomics, ARUP Laboratories
Classification: Likely benign. Last evaluated: 2023-03-28. Review status: criteria provided, single submitter. Criteria: ARUP Molecular Germline Variant Investigation Process 2024. Collection method: clinical testing. Allele origin: germline.

GeneDx
Classification: Likely benign. Last evaluated: 2021-03-15. Review status: criteria provided, single submitter. Criteria: GeneDx Variant Classification Process June 2021. Collection method: clinical testing. Allele origin: germline. Affected: yes.
Comment: This variant is associated with the following publications: (PMID: 23299917, 12974739, 21310275, 15519027, 17560888, 23217326, 22763267, 23233322, 25637381, 22995991, 24055113, 23820649, 26332594, 30188508)

Mendelics
Classification: Benign for Hypertrophic cardiomyopathy 4. Last evaluated: 2019-05-28. Review status: criteria provided, single submitter. Criteria: Mendelics Assertion Criteria 2017. Collection method: clinical testing. Allele origin: unknown.

Center for Advanced Laboratory Medicine, UC San Diego Health, University of California San Diego
Classification: Benign for Hereditary transthyretin amyloidosis. Last evaluated: 2019-05-20. Review status: criteria provided, single submitter. Criteria: ACMG Guidelines, 2015. Collection method: clinical testing. Allele origin: germline. Affected: yes. Observed: 1 variant allele.

CHEO Genetics Diagnostic Laboratory, Children's Hospital of Eastern Ontario
Classification: Benign for Cardiomyopathy. Last evaluated: 2018-12-14. Review status: criteria provided, single submitter. Criteria: ACMG Guidelines, 2015. Collection method: clinical testing. Allele origin: germline.

Ambry Genetics
Classification: Likely benign for Cardiovascular phenotype. Last evaluated: 2018-06-01. Review status: criteria provided, single submitter. Criteria: Ambry Variant Classification Scheme 2023. Collection method: clinical testing. Allele origin: germline.

Color Diagnostics, LLC DBA Color Health
Classification: Likely benign for Cardiomyopathy. Last evaluated: 2018-04-13. Review status: criteria provided, single submitter. Criteria: ACMG Guidelines, 2015. Collection method: clinical testing. Allele origin: germline.

Molecular Diagnostic Laboratory for Inherited Cardiovascular Disease, Montreal Heart Institute
Classification: Likely benign. Last evaluated: 2017-07-12. Review status: criteria provided, single submitter. Criteria: ACMG Guidelines, 2015. Collection method: clinical testing. Allele origin: germline. Affected: yes.

Soonchunhyang University Bucheon Hospital, Soonchunhyang University Medical Center
Classification: Uncertain significance for Hypertrophic cardiomyopathy 4. Last evaluated: 2016-03-18. Review status: criteria provided, single submitter. Criteria: ACMG Guidelines, 2015. Collection method: reference population. Allele origin: germline. Observed: 1 variant allele.

Laboratory for Molecular Medicine, Mass General Brigham Personalized Medicine
Classification: Likely benign. Last evaluated: 2015-06-12. Review status: criteria provided, single submitter. Criteria: LMM Criteria. Collection method: clinical testing. Allele origin: germline. Observed: 17 variant alleles.
Comment: p.Gly507Arg in exon 17 of MYBPC3: This variant is not expected to have clinical significance because it has been identified in 0.6% (54/9808) of African chromos omes by the Exome Aggregation Consortium (ExAC; dbSNP rs35736435).

CSER _CC_NCGL, University of Washington
Classification: Likely benign for Cardiomyopathy, hypertrophic. Last evaluated: 2014-06-01. Review status: criteria provided, single submitter. Criteria: Amendola et al. (Genome Res. 2015). Collection method: research. Allele origin: germline. Inheritance: Autosomal dominant inheritance. Study: ESP 6500 variant annotation.
Comment: Variants classified for the Actionable exomic incidental findings in 6503 participants: challenges of variant classification manuscript

Eurofins Ntd Llc (ga)
Classification: Benign. Last evaluated: 2014-01-07. Review status: criteria provided, single submitter. Criteria: EGL Classification Definitions 2015. Collection method: clinical testing. Allele origin: germline. Observed: 1 variant allele, 1 heterozygote.

PreventionGenetics, part of Exact Sciences
Classification: Likely benign. Review status: criteria provided, single submitter. Criteria: ACMG Guidelines, 2015. Collection method: clinical testing. Allele origin: germline.

Literature cited by the submitters: PubMed 12974739 (cited by 3 submitters); PubMed 23233322 (cited by Women's Health and Genetics/Laboratory Corporation of America, LabCorp and Ambry Genetics); PubMed 22763267 (cited by Women's Health and Genetics/Laboratory Corporation of America, LabCorp); PubMed 22995991 (cited by Women's Health and Genetics/Laboratory Corporation of America, LabCorp); PubMed 22464770 (cited by Women's Health and Genetics/Laboratory Corporation of America, LabCorp); PubMed 23820649 (cited by Women's Health and Genetics/Laboratory Corporation of America, LabCorp and Ambry Genetics); PubMed 24055113 (cited by Women's Health and Genetics/Laboratory Corporation of America, LabCorp); PubMed 23217326 (cited by Women's Health and Genetics/Laboratory Corporation of America, LabCorp and Ambry Genetics); PubMed 26090888 (cited by Women's Health and Genetics/Laboratory Corporation of America, LabCorp); PubMed 26332594 (cited by Women's Health and Genetics/Laboratory Corporation of America, LabCorp); PubMed 34097875 (cited by Women's Health and Genetics/Laboratory Corporation of America, LabCorp); PubMed 17560888 (cited by Ambry Genetics); PubMed 11499719 (cited by Laboratory for Molecular Medicine, Mass General Brigham Personalized Medicine); PubMed 15519027 (cited by Laboratory for Molecular Medicine, Mass General Brigham Personalized Medicine).

NM_000256.3(MYBPC3):c.1519G>A (p.Gly507Arg)

Gene: MYBPC3 (myosin binding protein C3; minus strand). Cytogenetic location: 11p11.2.
Variant type: single nucleotide variant.
Coding change: c.1519G>A on transcript NM_000256.3 (MANE Select); coding-DNA position 1519, G replaced by A.
Protein change: p.Gly507Arg; replaces glycine 507 with arginine.
Molecular consequence: missense variant.
Genome position (GRCh38, 1-based): chr11:47,342,683, C>T on the plus strand (G>A on the coding strand, the complement: MYBPC3 is on the minus strand). VCF-style: chr11-47342683-C-T. GRCh37 (hg19) VCF-style: chr11-47364234-C-T.
Other names: G507RGGG>AGG; short protein forms G507R.
Identifiers: ClinVar variation 42543 (VCV000042543.69), dbSNP rs35736435, ClinGen allele CA010550.